The following is an entry in ClinVar:

ClinVar aggregate classification (germline): Uncertain significance (1 of 4 stars; one submission).

Conditions:
Hypertrophic cardiomyopathy 9. Also called: Familial hypertrophic cardiomyopathy 9. Identifiers: MedGen C1861065, MONDO:0013412, OMIM 613765.

Submission:

MGZ Medical Genetics Center
Classification: Uncertain significance for Hypertrophic cardiomyopathy 9. Last evaluated: 2021-12-15. Review status: criteria provided, single submitter. Criteria: ACMG Guidelines, 2015. Collection method: clinical testing. Allele origin: germline. Affected: yes. Observed: 1 variant allele.
Comment: ACMG criteria applied: PVS1_MOD, PM1, PM2_SUP

NM_001267550.2(TTN):c.65106_65107del (p.Asn21702fs)

Genes: TTN-AS1 (TTN antisense RNA 1; plus strand), TTN (titin; minus strand). Cytogenetic location: 2q31.2.
Variant type: Deletion.
Coding change: c.65106_65107del on transcript NM_001267550.2 (MANE Select); coding-DNA positions 65106 to 65107, 2 bases deleted (CA; older notation c.65106_65107delCA).
Protein change: p.Asn21702fs; shifts the reading frame from asparagine 21702.
Molecular consequence: frameshift variant.
Genome position (GRCh38, 1-based): chr2:178,584,444-178,584,445, TG deleted on the plus strand (CA on the coding strand, the reverse complement: TTN is on the minus strand); deleting any 2 consecutive bases within chr2:178,584,444-178,584,446 gives the same sequence; the c. name uses the placement nearest the transcript's 3' end. VCF-style (leftmost placement, unchanged base first): chr2-178584443-CTG-C. GRCh37 (hg19) VCF-style: chr2-179449170-CTG-C.
Other names: c.60183_60184del, p.Asn20061fs (NM_001256850.1); c.37911_37912del, p.Asn12637fs (NM_003319.4); c.57402_57403del, p.Asn19134fs (NM_133378.4); c.38286_38287del, p.Asn12762fs (NM_133432.3); c.38487_38488del, p.Asn12829fs (NM_133437.4); short protein forms N12637fs, N12762fs, N12829fs, N19134fs, N20061fs, N21702fs.
Identifiers: ClinVar variation 1709040 (VCV001709040.2), dbSNP rs2469139685, ClinGen allele CA2580064642.